The following is an entry in ClinVar:

ClinVar aggregate classification (germline): Uncertain significance (1 of 4 stars; one submission).

Submission:

GeneDx
Classification: Uncertain significance. Last evaluated: 2024-11-01. Review status: criteria provided, single submitter. Criteria: GeneDx Variant Classification Process June 2021. Collection method: clinical testing. Allele origin: germline.
Comment: Not observed at significant frequency in large population cohorts (gnomAD); In silico analysis supports that this missense variant has a deleterious effect on protein structure/function; Has not been previously published as pathogenic or benign to our knowledge

NM_007325.5(GRIA3):c.856C>A (p.Arg286Ser)

Gene: GRIA3 (glutamate ionotropic receptor AMPA type subunit 3; plus strand). Cytogenetic location: Xq25.
Variant type: single nucleotide variant.
Coding change: c.856C>A on transcript NM_007325.5 (MANE Select); coding-DNA position 856, C replaced by A.
Protein change: p.Arg286Ser; replaces arginine 286 with serine.
Molecular consequence: missense variant.
Genome position (GRCh38, 1-based): chrX:123,395,073, C>A. VCF-style: chrX-123395073-C-A. GRCh37 (hg19) VCF-style: chrX-122528924-C-A.
Other names: c.856C>A, p.Arg286Ser (NM_000828.5); short protein forms R286S.
Identifiers: ClinVar variation 3361746 (VCV003361746.2).
Genomic context (GRCh38, chrX:123,395,073, plus strand): 5'-AACATTACAGGTTTCCAGATTGTCAACAATGAAAACCCTATGGTTCAGCAGTTCATACAG[C>A]GCTGGGTGAGGCTGGATGAAAGGGAATTCCCTGAAGCCAAGAATGCACCACTAAAGGTAA-3'
Protein context (NP_015564.5, residues 276-296): ENPMVQQFIQ[Arg286Ser]WVRLDEREFP